The following is an entry in ClinVar:

ClinVar aggregate classification (germline): Uncertain significance (1 of 4 stars; one submission).

Conditions:
Nemaline myopathy 6 (NEM6). Also called: Nemaline myopathy 6, autosomal dominant. Identifiers: Orphanet 171439, MedGen C1836472, MONDO:0012237, OMIM 609273.

Submission:

Labcorp Genetics (formerly Invitae), Labcorp
Classification: Uncertain significance for Nemaline myopathy 6. Last evaluated: 2018-09-18. Review status: criteria provided, single submitter. Criteria: Invitae Variant Classification Sherloc (09022015). Collection method: clinical testing. Allele origin: germline.
Comment: In summary, the available evidence is currently insufficient to determine the role of this variant in disease. Therefore, it has been classified as a Variant of Uncertain Significance. Algorithms developed to predict the effect of missense changes on protein structure and function are either unavailable or do not agree on the potential impact of this missense change (SIFT: "Deleterious"; PolyPhen-2: "Benign"; Align-GVGD: "Class C0"). This variant has not been reported in the literature in individuals with KBTBD13-related disease. While this variant is not present in population databases, the frequency information is unreliable, as metrics indicate poor data quality at this position in the ExAC database. This sequence change replaces alanine with valine at codon 55 of the KBTBD13 protein (p.Ala55Val). The alanine residue is highly conserved and there is a small physicochemical difference between alanine and valine.

NM_001101362.3(KBTBD13):c.164C>T (p.Ala55Val)

Gene: KBTBD13 (kelch repeat and BTB domain containing 13; plus strand). Cytogenetic location: 15q22.31.
Variant type: single nucleotide variant.
Coding change: c.164C>T on transcript NM_001101362.3 (MANE Select); coding-DNA position 164, C replaced by T.
Protein change: p.Ala55Val; replaces alanine 55 with valine.
Molecular consequence: missense variant.
Genome position (GRCh38, 1-based): chr15:65,076,979, C>T. VCF-style: chr15-65076979-C-T. GRCh37 (hg19) VCF-style: chr15-65369317-C-T.
Other names: short protein forms A55V.
Identifiers: ClinVar variation 656653 (VCV000656653.8), dbSNP rs757684085, ClinGen allele CA392856793.